The following is an entry in ClinVar:

ClinVar aggregate classification (germline): Uncertain significance (1 of 4 stars; one submission).

Submission:

GeneDx
Classification: Uncertain significance. Last evaluated: 2026-01-31. Review status: criteria provided, single submitter. Criteria: GeneDx Variant Classification Process June 2021. Collection method: clinical testing. Allele origin: germline.
Comment: Not observed at significant frequency in large population cohorts (gnomAD); In silico analysis supports that this missense variant has a deleterious effect on protein structure/function; Has not been previously published as pathogenic or benign to our knowledge

NM_003400.4(XPO1):c.2332C>T (p.Pro778Ser)

Gene: XPO1 (exportin 1; minus strand). Cytogenetic location: 2p15.
Variant type: single nucleotide variant.
Coding change: c.2332C>T on transcript NM_003400.4 (MANE Select); coding-DNA position 2332, C replaced by T.
Protein change: p.Pro778Ser; replaces proline 778 with serine.
Molecular consequence: missense variant.
Genome position (GRCh38, 1-based): chr2:61,485,944, G>A on the plus strand (C>T on the coding strand, the complement: XPO1 is on the minus strand). VCF-style: chr2-61485944-G-A. GRCh37 (hg19) VCF-style: chr2-61713079-G-A.
Other names: c.2197C>T, p.Pro733Ser (NM_001410799.1); short protein forms P733S, P778S.
Identifiers: ClinVar variation 4975570 (VCV004975570.1).